The following is an entry in ClinVar:

NM_014425.5(INVS):c.1234+27A>C

Gene: INVS (inversin; plus strand). Cytogenetic location: 9q31.1.
Variant type: single nucleotide variant.
Coding change: c.1234+27A>C on transcript NM_014425.5 (MANE Select); 27 bases into the intron after coding-DNA position 1234, A replaced by C.
Molecular consequence: intron variant.
Genome position (GRCh38, 1-based): chr9:100,252,465, A>C. VCF-style: chr9-100252465-A-C. GRCh37 (hg19) VCF-style: chr9-103014747-A-C.
Other names: p.?; c.946+27A>C (NM_001318381.2); c.256+27A>C (NM_001318382.2).
Identifiers: ClinVar variation 4683410 (VCV004683410.1).
Genomic context (GRCh38, chr9:100,252,465, plus strand): 5'-GGACACAAAGATGTGATTCAGACACTCATTAAAGGTGGGCTAATAAGAGTACTCCTAATA[A>C]GTCTCTCTTAACAGGTAGGAATTCTTGCATACTCTGTTTAAGATAAAGCTTTCCTTAGCA-3'

ClinVar aggregate classification (germline): Likely benign (1 of 4 stars; one submission).

gnomAD v4.1: 455 of 1,602,280 alleles (0.028%); highest among the groups gnomAD compares: Non-Finnish European, 0.037%; no homozygotes.

Submission:

Mayo Clinic Laboratories, Mayo Clinic
Classification: Likely benign. Last evaluated: 2025-09-12. Review status: criteria provided, single submitter. Criteria: ACMG Guidelines, 2015. Collection method: clinical testing. Allele origin: germline. Observed: 2 variant alleles.
Comment: BP4, BP7